The following is an entry in ClinVar:

ClinVar aggregate classification (germline): Uncertain significance (1 of 4 stars; one submission).

Conditions:
Holoprosencephaly 11 (HPE11). Identifiers: Orphanet 2162, MedGen C3280215, MONDO:0013642, OMIM 614226.

Allele frequency attached by ClinVar (database versions not stated): gnomAD exomes below 0.00001 and 0.00001; gnomAD 0.00001; ExAC 0.00002; TOPMed 0.00002.

Submission:

Labcorp Genetics (formerly Invitae), Labcorp
Classification: Uncertain significance for Holoprosencephaly 11. Last evaluated: 2020-07-08. Review status: criteria provided, single submitter. Criteria: Invitae Variant Classification Sherloc (09022015). Collection method: clinical testing. Allele origin: germline.
Comment: This variant has not been reported in the literature in individuals with CDON-related conditions. Nucleotide substitutions within the consensus splice site are a relatively common cause of aberrant splicing (PMID: 17576681, 9536098). Algorithms developed to predict the effect of sequence changes on RNA splicing suggest that this variant is not likely to affect RNA splicing, but this prediction has not been confirmed by published transcriptional studies. In summary, the available evidence is currently insufficient to determine the role of this variant in disease. Therefore, it has been classified as a Variant of Uncertain Significance. The frequency data for this variant in the population databases is considered unreliable, as metrics indicate poor data quality at this position in the ExAC database. This sequence change falls in intron 12 of the CDON gene. It does not directly change the encoded amino acid sequence of the CDON protein, but it affects a nucleotide within the consensus splice site of the intron.

Literature cited by the submitters: PubMed 17576681; PubMed 9536098.

NM_001378964.1(CDON):c.2363-5_2363-4del

Gene: CDON (cell adhesion associated, oncogene regulated; minus strand). Cytogenetic location: 11q24.2.
Variant type: Deletion.
Coding change: c.2363-5_2363-4del on transcript NM_001378964.1 (MANE Select); 5 bases into the intron before coding-DNA position 2363 through 4 bases into the intron before coding-DNA position 2363, 2 bases deleted (CA; older notation c.2363-5_2363-4delCA).
Molecular consequence: intron variant.
Genome position (GRCh38, 1-based): chr11:125,995,056-125,995,057, TG deleted on the plus strand (CA on the coding strand, the reverse complement: CDON is on the minus strand). VCF-style (leftmost placement, unchanged base first): chr11-125995055-TTG-T. GRCh37 (hg19) VCF-style: chr11-125864950-TTG-T.
Other names: c.2363-5_2363-4del (NM_001441166.1, NM_016952.6, NM_001243597.3 and 5 more transcripts).
Identifiers: ClinVar variation 1051364 (VCV001051364.7), dbSNP rs763168972, ClinGen allele CA6351741.